The following is an entry in ClinVar:

ClinVar aggregate classification (germline): Benign. Review status: criteria provided, multiple submitters, no conflicts (2 of 4 stars). 4 submissions from 4 submitters: Benign (4). Last evaluated 2025-12-19.

Conditions:
SEC24D-related disorder. Also called: SEC24D-related condition.

Allele frequency attached by ClinVar (database versions not stated): gnomAD 0.00051 and 0.00080; gnomAD exomes 0.00091 and 0.00205; TOPMed 0.00094; ExAC 0.00209; 1000 Genomes Project 30x 0.00312; 1000 Genomes Project 0.00359; ESP Exome Variant Server 0.00031.
gnomAD v4.1: 1,467 of 1,613,850 alleles (0.091%); highest among the groups gnomAD compares: East Asian, 1.2%; 13 homozygotes.

Submissions (4):

Labcorp Genetics (formerly Invitae), Labcorp
Classification: Benign. Last evaluated: 2025-12-19. Review status: criteria provided, single submitter. Criteria: Invitae Variant Classification Sherloc (09022015). Collection method: clinical testing. Allele origin: germline.

PreventionGenetics, part of Exact Sciences
Classification: Benign for SEC24D-related condition. Last evaluated: 2025-10-20. Review status: criteria provided, single submitter. Criteria: ACMG Guidelines, 2015. Collection method: clinical testing. Allele origin: germline.
Comment: This variant is classified as benign based on ACMG/AMP sequence variant interpretation guidelines (Richards et al. 2015 PMID: 25741868, with internal and published modifications).

CeGaT Center for Human Genetics Tuebingen
Classification: Benign. Last evaluated: 2025-06-01. Review status: criteria provided, single submitter. Criteria: CeGaT Center For Human Genetics Tuebingen Variant Classification Criteria Version 2. Collection method: clinical testing. Allele origin: germline. Affected: yes. Observed: 1 variant allele.
Comment: SEC24D: BS1, BS2

GeneDx
Classification: Benign. Last evaluated: 2020-09-22. Review status: criteria provided, single submitter. Criteria: GeneDx Variant Classification Process June 2021. Collection method: clinical testing. Allele origin: germline. Affected: yes.

NM_014822.4(SEC24D):c.86A>G (p.Tyr29Cys)

Gene: SEC24D (SEC24 homolog D, COPII component; minus strand). Cytogenetic location: 4q26.
Variant type: single nucleotide variant.
Coding change: c.86A>G on transcript NM_014822.4 (MANE Select); coding-DNA position 86, A replaced by G.
Protein change: p.Tyr29Cys; replaces tyrosine 29 with cysteine.
Molecular consequence: missense variant.
Genome position (GRCh38, 1-based): chr4:118,833,611, T>C on the plus strand (A>G on the coding strand, the complement: SEC24D is on the minus strand). VCF-style: chr4-118833611-T-C. GRCh37 (hg19) VCF-style: chr4-119754766-T-C.
Other names: c.86A>G, p.Tyr29Cys (NM_001318066.2); short protein forms Y29C.
Identifiers: ClinVar variation 716453 (VCV000716453.22), dbSNP rs75299065, ClinGen allele CA3057656.